The following is an entry in ClinVar:

NM_002225.5(IVD):c.883A>G (p.Met295Val)

Gene: IVD (isovaleryl-CoA dehydrogenase; plus strand). Cytogenetic location: 15q15.1.
Variant type: single nucleotide variant.
Coding change: c.883A>G on transcript NM_002225.5 (MANE Select); coding-DNA position 883, A replaced by G.
Protein change: p.Met295Val; replaces methionine 295 with valine.
Molecular consequence: missense variant. On other transcripts: non-coding transcript variant (1).
Genome position (GRCh38, 1-based): chr15:40,415,405, A>G. VCF-style: chr15-40415405-A-G. GRCh37 (hg19) VCF-style: chr15-40707604-A-G.
Other names: c.793A>G, p.Met265Val (NM_001159508.3); c.835A>G, p.Met279Val (NM_001354597.3); c.883A>G, p.Met295Val (NM_001354598.3, NM_001354601.3); c.970A>G, p.Met324Val (NM_001354599.3, NM_001354600.3); short protein forms M324V, M265V, M279V, M295V.
Identifiers: ClinVar variation 4765212 (VCV004765212.1).

ClinVar aggregate classification (germline): Uncertain significance (1 of 4 stars; one submission).

Conditions:
Isovaleryl-CoA dehydrogenase deficiency (IVA). Also called: ISOVALERIC ACID CoA DEHYDROGENASE DEFICIENCY; Isovaleric acidemia; Classic Isovaleric Acidemia; IVD DEFICIENCY. Identifiers: Orphanet 33, MedGen C0268575, MONDO:0009475, OMIM 243500.

Submission:

Labcorp Genetics (formerly Invitae), Labcorp
Classification: Uncertain significance for Isovaleryl-CoA dehydrogenase deficiency. Last evaluated: 2025-09-22. Review status: criteria provided, single submitter. Criteria: Invitae Variant Classification Sherloc (09022015). Collection method: clinical testing. Allele origin: germline.
Comment: This sequence change replaces methionine, which is neutral and non-polar, with valine, which is neutral and non-polar, at codon 298 of the IVD protein (p.Met298Val). This variant is not present in population databases (gnomAD no frequency). This missense change has been observed in individual(s) with clinical features of IVD-related conditions (PMID: 38401345). An algorithm developed to predict the effect of missense changes on protein structure and function (PolyPhen-2) suggests that this variant is likely to be disruptive. This variant disrupts the p.Met298 amino acid residue in IVD. Other variant(s) that disrupt this residue have been observed in individuals with IVD-related conditions (PMID: 31856096), which suggests that this may be a clinically significant amino acid residue. In summary, the available evidence is currently insufficient to determine the role of this variant in disease. Therefore, it has been classified as a Variant of Uncertain Significance.

Literature cited by the submitters: PubMed 38401345; PubMed 31856096.